The following is an entry in ClinVar:

ClinVar aggregate classification (germline): Uncertain significance. Review status: criteria provided, multiple submitters, no conflicts (2 of 4 stars). 2 submissions from 2 submitters: Uncertain significance (2). Last evaluated 2025-05-07.

Conditions:
Inborn genetic diseases. Identifiers: MedGen C0950123, MeSH D030342.

Allele frequency attached by ClinVar (database versions not stated): gnomAD exomes 0.00001; gnomAD 0.00011; TOPMed 0.00032.
gnomAD v4.1: 35 of 1,610,952 alleles (0.0022%); highest among the groups gnomAD compares: Admixed American, 0.042%; no homozygotes.

Submissions (2):

Labcorp Genetics (formerly Invitae), Labcorp
Classification: Uncertain significance. Last evaluated: 2025-05-07. Review status: criteria provided, single submitter. Criteria: Invitae Variant Classification Sherloc (09022015). Collection method: clinical testing. Allele origin: germline.
Comment: This sequence change replaces leucine, which is neutral and non-polar, with phenylalanine, which is neutral and non-polar, at codon 334 of the PODXL protein (p.Leu334Phe). This variant is present in population databases (no rsID available, gnomAD 0.007%). This variant has not been reported in the literature in individuals affected with PODXL-related conditions. ClinVar contains an entry for this variant (Variation ID: 2073783). An algorithm developed to predict the effect of missense changes on protein structure and function (PolyPhen-2) suggests that this variant is likely to be tolerated. In summary, the available evidence is currently insufficient to determine the role of this variant in disease. Therefore, it has been classified as a Variant of Uncertain Significance.

Ambry Genetics
Classification: Uncertain significance for Inborn genetic diseases. Last evaluated: 2024-01-08. Review status: criteria provided, single submitter. Criteria: Ambry Variant Classification Scheme 2023. Collection method: clinical testing. Allele origin: germline.

NM_001018111.3(PODXL):c.1096C>T (p.Leu366Phe)

Gene: PODXL (podocalyxin like; minus strand). Cytogenetic location: 7q32.3.
Variant type: single nucleotide variant.
Coding change: c.1096C>T on transcript NM_001018111.3 (MANE Select); coding-DNA position 1096, C replaced by T.
Protein change: p.Leu366Phe; replaces leucine 366 with phenylalanine.
Molecular consequence: missense variant.
Genome position (GRCh38, 1-based): chr7:131,508,956, G>A on the plus strand (C>T on the coding strand, the complement: PODXL is on the minus strand). VCF-style: chr7-131508956-G-A. GRCh37 (hg19) VCF-style: chr7-131193715-G-A.
Other names: c.1000C>T, p.Leu334Phe (NM_005397.4); c.1096C>T (NM_001018111.2); short protein forms L366F, L334F.
Identifiers: ClinVar variation 2073783 (VCV002073783.5), dbSNP rs1026546812, ClinGen allele CA166926387.